The following is an entry in ClinVar:

NM_003839.4(TNFRSF11A):c.874G>C (p.Glu292Gln)

Gene: TNFRSF11A (TNF receptor superfamily member 11a; plus strand). Cytogenetic location: 18q21.33.
Variant type: single nucleotide variant.
Coding change: c.874G>C on transcript NM_003839.4 (MANE Select); coding-DNA position 874, G replaced by C.
Protein change: p.Glu292Gln; replaces glutamic acid 292 with glutamine.
Molecular consequence: missense variant. On other transcripts: intron variant (3).
Genome position (GRCh38, 1-based): chr18:62,368,791, G>C. VCF-style: chr18-62368791-G-C. GRCh37 (hg19) VCF-style: chr18-60036024-G-C.
Other names: c.832G>C, p.Glu278Gln (NM_001278268.2); c.783+2031G>C (NM_001270949.2); c.730+6998G>C (NM_001270950.2); c.616+8742G>C (NM_001270951.2); short protein forms E278Q, E292Q.
Identifiers: ClinVar variation 2008857 (VCV002008857.4), dbSNP rs2511591213, ClinGen allele CA402616089.

ClinVar aggregate classification (germline): Uncertain significance (1 of 4 stars; one submission).

Submission:

Labcorp Genetics (formerly Invitae), Labcorp
Classification: Uncertain significance. Last evaluated: 2022-06-22. Review status: criteria provided, single submitter. Criteria: Invitae Variant Classification Sherloc (09022015). Collection method: clinical testing. Allele origin: germline.
Comment: In summary, the available evidence is currently insufficient to determine the role of this variant in disease. Therefore, it has been classified as a Variant of Uncertain Significance. Algorithms developed to predict the effect of missense changes on protein structure and function output the following: SIFT: "Tolerated"; PolyPhen-2: "Benign"; Align-GVGD: "Class C0". The glutamine amino acid residue is found in multiple mammalian species, which suggests that this missense change does not adversely affect protein function. This variant has not been reported in the literature in individuals affected with TNFRSF11A-related conditions. This variant is not present in population databases (gnomAD no frequency). This sequence change replaces glutamic acid, which is acidic and polar, with glutamine, which is neutral and polar, at codon 292 of the TNFRSF11A protein (p.Glu292Gln).